The following is an entry in ClinVar:

NM_001005337.3(PKP1):c.-130A>T

Gene: PKP1 (plakophilin 1; plus strand). Cytogenetic location: 1q32.1.
Variant type: single nucleotide variant.
Coding change: c.-130A>T on transcript NM_001005337.3 (MANE Select); 130 bases upstream of the start codon, A replaced by T.
Molecular consequence: 5 prime UTR variant.
Genome position (GRCh38, 1-based): chr1:201,283,573, A>T. VCF-style: chr1-201283573-A-T. GRCh37 (hg19) VCF-style: chr1-201252701-A-T.
Other names: c.-130A>T (NM_000299.4).
Identifiers: ClinVar variation 294795 (VCV000294795.7), dbSNP rs861275, ClinGen allele CA10609414.

ClinVar aggregate classification (germline): Benign. Review status: criteria provided, multiple submitters, no conflicts (2 of 4 stars). 3 submissions from 3 submitters: Benign (3). Last evaluated 2018-11-12.

Conditions:
Epidermolysis bullosa simplex due to plakophilin deficiency. Also called: MCGRATH SYNDROME. Identifiers: Orphanet 158668, MedGen C1858302, MONDO:0011472, OMIM 604536.

Allele frequency attached by ClinVar (database versions not stated): TOPMed 0.59509; 1000 Genomes Project 30x 0.59853; 1000 Genomes Project 0.61362; gnomAD 0.61555; gnomAD exomes 0.76840.
gnomAD v4.1: 612,651 of 830,844 alleles (74%); highest among the groups gnomAD compares: East Asian, 92%; 236,770 homozygotes.

Submissions (3):

GeneDx
Classification: Benign. Last evaluated: 2018-11-12. Review status: criteria provided, single submitter. Criteria: GeneDx Variant Classification Process June 2021. Collection method: clinical testing. Allele origin: germline. Affected: yes.

Illumina Laboratory Services, Illumina
Classification: Benign for Epidermolysis bullosa simplex due to plakophilin deficiency. Last evaluated: 2018-01-13. Review status: criteria provided, single submitter. Criteria: ICSL Variant Classification Criteria 13 December 2019. Collection method: clinical testing. Allele origin: germline.
Comment: This variant was observed in the ICSL laboratory as part of a predisposition screen in an ostensibly healthy population. It had not been previously curated by ICSL or reported in the Human Gene Mutation Database (HGMD: prior to June 1st, 2018), and was therefore a candidate for classification through an automated scoring system. Utilizing variant allele frequency, disease prevalence and penetrance estimates, and inheritance mode, an automated score was calculated to assess if this variant is too frequent to cause the disease. Based on the score and internal cut-off values, a variant classified as benign is not then subjected to further curation. The score for this variant resulted in a classification of benign for this disease.

Breakthrough Genomics
Classification: Benign. Review status: criteria provided, single submitter. Criteria: ACMG Guidelines, 2015. Collection method: not provided. Allele origin: germline. Inheritance: Autosomal recessive inheritance. Affected: yes.